The following is an entry in ClinVar:

NM_207118.3(GTF2H5):c.70G>A (p.Asp24Asn)

Gene: GTF2H5 (general transcription factor IIH subunit 5; plus strand). Cytogenetic location: 6q25.3.
Variant type: single nucleotide variant.
Coding change: c.70G>A on transcript NM_207118.3 (MANE Select); coding-DNA position 70, G replaced by A.
Protein change: p.Asp24Asn; replaces aspartic acid 24 with asparagine.
Molecular consequence: missense variant.
Genome position (GRCh38, 1-based): chr6:158,192,011, G>A. VCF-style: chr6-158192011-G-A. GRCh37 (hg19) VCF-style: chr6-158613043-G-A.
Other names: short protein forms D24N.
Identifiers: ClinVar variation 2048012 (VCV002048012.4), dbSNP rs2483696586, ClinGen allele CA366253290.

ClinVar aggregate classification (germline): Uncertain significance (1 of 4 stars; one submission).

Allele frequency attached by ClinVar (database versions not stated): gnomAD exomes below 0.00001.

Submission:

Labcorp Genetics (formerly Invitae), Labcorp
Classification: Uncertain significance. Last evaluated: 2021-12-19. Review status: criteria provided, single submitter. Criteria: Invitae Variant Classification Sherloc (09022015). Collection method: clinical testing. Allele origin: germline.
Comment: This variant has not been reported in the literature in individuals affected with GTF2H5-related conditions. In summary, the available evidence is currently insufficient to determine the role of this variant in disease. Therefore, it has been classified as a Variant of Uncertain Significance. Algorithms developed to predict the effect of missense changes on protein structure and function are either unavailable or do not agree on the potential impact of this missense change (SIFT: "Deleterious"; PolyPhen-2: "Possibly Damaging"; Align-GVGD: "Class C15"). This variant is not present in population databases (gnomAD no frequency). This sequence change replaces aspartic acid, which is acidic and polar, with asparagine, which is neutral and polar, at codon 24 of the GTF2H5 protein (p.Asp24Asn).